The following is an entry in ClinVar:

ClinVar aggregate classification (germline): Uncertain significance. Review status: criteria provided, multiple submitters, no conflicts (2 of 4 stars). 2 submissions from 2 submitters: Uncertain significance (2). Last evaluated 2022-03-10.

Allele frequency attached by ClinVar (database versions not stated): gnomAD exomes below 0.00001.
gnomAD v4.1: 2 of 1,613,512 alleles (0.00012%); highest among the groups gnomAD compares: Non-Finnish European, 0.00017%; no homozygotes.

Submissions (2):

Labcorp Genetics (formerly Invitae), Labcorp
Classification: Uncertain significance. Last evaluated: 2022-03-10. Review status: criteria provided, single submitter. Criteria: Invitae Variant Classification Sherloc (09022015). Collection method: clinical testing. Allele origin: germline.
Comment: In summary, the available evidence is currently insufficient to determine the role of this variant in disease. Therefore, it has been classified as a Variant of Uncertain Significance. Algorithms developed to predict the effect of missense changes on protein structure and function (SIFT, PolyPhen-2, Align-GVGD) all suggest that this variant is likely to be tolerated. This variant has not been reported in the literature in individuals affected with MAD2L2-related conditions. This variant is not present in population databases (gnomAD no frequency). This sequence change replaces isoleucine, which is neutral and non-polar, with threonine, which is neutral and polar, at codon 110 of the MAD2L2 protein (p.Ile110Thr).

Breakthrough Genomics
Classification: Uncertain significance. Review status: criteria provided, single submitter. Criteria: ACMG Guidelines, 2015. Collection method: not provided. Allele origin: germline. Inheritance: Autosomal recessive inheritance. Affected: yes.

NM_006341.4(MAD2L2):c.329T>C (p.Ile110Thr)

Gene: MAD2L2 (mitotic arrest deficient 2 like 2; minus strand). Cytogenetic location: 1p36.22.
Variant type: single nucleotide variant.
Coding change: c.329T>C on transcript NM_006341.4 (MANE Select); coding-DNA position 329, T replaced by C.
Protein change: p.Ile110Thr; replaces isoleucine 110 with threonine.
Molecular consequence: missense variant.
Genome position (GRCh38, 1-based): chr1:11,676,851, A>G on the plus strand (T>C on the coding strand, the complement: MAD2L2 is on the minus strand). VCF-style: chr1-11676851-A-G. GRCh37 (hg19) VCF-style: chr1-11736908-A-G.
Other names: c.329T>C, p.Ile110Thr (NM_001127325.2); short protein forms I110T.
Identifiers: ClinVar variation 2065616 (VCV002065616.5), dbSNP rs1179078107, ClinGen allele CA338416595.